The following is an entry in ClinVar:

NM_006950.3(SYN1):c.527G>A (p.Arg176Gln)

Gene: SYN1 (synapsin I; minus strand). Cytogenetic location: Xp11.23.
Variant type: single nucleotide variant.
Coding change: c.527G>A on transcript NM_006950.3 (MANE Select); coding-DNA position 527, G replaced by A.
Protein change: p.Arg176Gln; replaces arginine 176 with glutamine.
Molecular consequence: missense variant.
Genome position (GRCh38, 1-based): chrX:47,606,945, C>T on the plus strand (G>A on the coding strand, the complement: SYN1 is on the minus strand). VCF-style: chrX-47606945-C-T. GRCh37 (hg19) VCF-style: chrX-47466344-C-T.
Other names: c.527G>A, p.Arg176Gln (NM_133499.2); short protein forms R176Q.
Identifiers: ClinVar variation 2064497 (VCV002064497.4), dbSNP rs374210167, ClinGen allele CA10398722.

ClinVar aggregate classification (germline): Uncertain significance (1 of 4 stars; one submission).

Conditions:
Epilepsy, X-linked 1, with variable learning disabilities and behavior disorders. Also called: X-linked epilepsy-learning disabilities-behavior disorders syndrome. Identifiers: Orphanet 85294, MedGen C5774177, MONDO:0010339, OMIM 300491.

Allele frequency attached by ClinVar (database versions not stated): gnomAD 0.00002; gnomAD exomes 0.00002; ExAC 0.00003; TOPMed 0.00003; ESP Exome Variant Server 0.00009.
gnomAD v4.1: 26 of 1,205,081 alleles (0.0022%); highest among the groups gnomAD compares: Non-Finnish European, 0.0027%; no homozygotes.

Submission:

Labcorp Genetics (formerly Invitae), Labcorp
Classification: Uncertain significance for Epilepsy, X-linked 1, with variable learning disabilities and behavior disorders. Last evaluated: 2025-07-28. Review status: criteria provided, single submitter. Criteria: Invitae Variant Classification Sherloc (09022015). Collection method: clinical testing. Allele origin: germline.
Comment: This sequence change replaces arginine, which is basic and polar, with glutamine, which is neutral and polar, at codon 176 of the SYN1 protein (p.Arg176Gln). This variant also falls at the last nucleotide of exon 3, which is part of the consensus splice site for this exon. The frequency data for this variant in the population databases is considered unreliable, as metrics indicate poor data quality at this position in the gnomAD database. This variant has not been reported in the literature in individuals affected with SYN1-related conditions. ClinVar contains an entry for this variant (Variation ID: 2064497). An algorithm developed to predict the effect of missense changes on protein structure and function (PolyPhen-2) suggests that this variant is likely to be tolerated. Variants that disrupt the consensus splice site are a relatively common cause of aberrant splicing (PMID: 17576681, 9536098). In summary, the available evidence is currently insufficient to determine the role of this variant in disease. Therefore, it has been classified as a Variant of Uncertain Significance.

Literature cited by the submitters: PubMed 17576681; PubMed 9536098.